The following is an entry in ClinVar:

NM_022081.6(HPS4):c.501_501+4del

Gene: HPS4 (HPS4 biogenesis of lysosomal organelles complex 3 subunit 2; minus strand). Cytogenetic location: 22q12.1.
Variant type: Deletion.
Coding change: c.501_501+4del on transcript NM_022081.6 (MANE Select); coding-DNA position 501 through 4 bases into the intron after coding-DNA position 501, 5 bases deleted (AGTAA; older notation c.501_501+4delAGTAA).
Molecular consequence: splice donor variant.
Genome position (GRCh38, 1-based): chr22:26,472,298-26,472,302, TTACT deleted on the plus strand (AGTAA on the coding strand, the reverse complement: HPS4 is on the minus strand); deleting any 5 consecutive bases within chr22:26,472,298-26,472,305 gives the same sequence; the c. name uses the placement nearest the transcript's 3' end. VCF-style (leftmost placement, unchanged base first): chr22-26472297-GTTACT-G. GRCh37 (hg19) VCF-style: chr22-26868263-GTTACT-G.
Other names: c.501_501+4del (NM_001349905.1, NM_001349904.2, NM_001349902.1 and 7 more transcripts); c.486_486+4del (NM_152841.2).
Identifiers: ClinVar variation 4992215 (VCV004992215.1).

ClinVar aggregate classification (germline): Likely pathogenic (1 of 4 stars; one submission).

Conditions:
HPS4-related disorder. Also called: HPS4-related condition.

Submission:

PreventionGenetics, part of Exact Sciences
Classification: Likely pathogenic for HPS4-related condition. Last evaluated: 2025-11-12. Review status: criteria provided, single submitter. Criteria: ACMG Guidelines, 2015. Collection method: clinical testing. Allele origin: germline.
Comment: The HPS4 c.501_501+4del5 variant is predicted to result in a deletion affecting a canonical splice site. To our knowledge, this variant has not been reported in the literature. This variant has been reported in 1 heterozygous individual within the ‘other’ subpopulation in gnomAD. Variants that disrupt the canonical splice site in HPS4 are an established mechanism of disease. This variant is interpreted as likely pathogenic.